The following is an entry in ClinVar:

ClinVar aggregate classification (germline): Uncertain significance (1 of 4 stars; one submission).

Submission:

Labcorp Genetics (formerly Invitae), Labcorp
Classification: Uncertain significance. Last evaluated: 2022-09-27. Review status: criteria provided, single submitter. Criteria: Invitae Variant Classification Sherloc (09022015). Collection method: clinical testing. Allele origin: germline.
Comment: This sequence change creates a premature translational stop signal (p.Ser99*) in the GFM2 gene. It is expected to result in an absent or disrupted protein product. However, the current clinical and genetic evidence is not sufficient to establish whether loss-of-function variants in GFM2 cause disease. This variant is not present in population databases (gnomAD no frequency). This variant has not been reported in the literature in individuals affected with GFM2-related conditions. In summary, the available evidence is currently insufficient to determine the role of this variant in disease. Therefore, it has been classified as a Variant of Uncertain Significance.

NM_032380.5(GFM2):c.296C>A (p.Ser99Ter)

Gene: GFM2 (GTP dependent ribosome recycling factor mitochondrial 2; minus strand). Cytogenetic location: 5q13.3.
Variant type: single nucleotide variant.
Coding change: c.296C>A on transcript NM_032380.5 (MANE Select); coding-DNA position 296, C replaced by A.
Protein change: p.Ser99Ter; replaces serine 99 with a stop codon.
Molecular consequence: nonsense. On other transcripts: non-coding transcript variant (1).
Genome position (GRCh38, 1-based): chr5:74,758,857, G>T on the plus strand (C>A on the coding strand, the complement: GFM2 is on the minus strand). VCF-style: chr5-74758857-G-T. GRCh37 (hg19) VCF-style: chr5-74054682-G-T.
Other names: c.392C>A, p.Ser131Ter (NM_001281302.2); c.296C>A, p.Ser99Ter (NM_170681.3, NM_170691.3); short protein forms S99*, S131*.
Identifiers: ClinVar variation 1993815 (VCV001993815.4), dbSNP rs2479009537, ClinGen allele CA360086731.
Genomic context (GRCh38, chr5:74,758,857, plus strand): 5'-CAATGATGCTTTTGCTAATGGGGGGGTGGGAAGAGGAGGAATCCATTCTAACCTCCCAGT[G>T]ATCTTGTATATCCGGAATAGTACAATATTCTTTCTGTGGTGGTAGTTTTGCCTGCATCAA-3'